The following is an entry in ClinVar:

NM_001040108.2(MLH3):c.4204C>T (p.Pro1402Ser)

Gene: MLH3 (mutL homolog 3; minus strand). Cytogenetic location: 14q24.3.
Variant type: single nucleotide variant.
Coding change: c.4204C>T on transcript NM_001040108.2 (MANE Select); coding-DNA position 4204, C replaced by T.
Protein change: p.Pro1402Ser; replaces proline 1402 with serine.
Molecular consequence: missense variant.
Genome position (GRCh38, 1-based): chr14:75,018,867, G>A on the plus strand (C>T on the coding strand, the complement: MLH3 is on the minus strand). VCF-style: chr14-75018867-G-A. GRCh37 (hg19) VCF-style: chr14-75485570-G-A.
Other names: c.4132C>T, p.Pro1378Ser (NM_014381.3); short protein forms P1402S, P1378S.
Identifiers: ClinVar variation 3705342 (VCV003705342.2).

ClinVar aggregate classification (germline): Uncertain significance (1 of 4 stars; one submission).

Conditions:
Colorectal cancer, hereditary nonpolyposis, type 7. Identifiers: Orphanet 144, MedGen C1858380, MONDO:0013725, OMIM 614385.

Submission:

Labcorp Genetics (formerly Invitae), Labcorp
Classification: Uncertain significance for Colorectal cancer, hereditary nonpolyposis, type 7. Last evaluated: 2024-04-09. Review status: criteria provided, single submitter. Criteria: Invitae Variant Classification Sherloc (09022015). Collection method: clinical testing. Allele origin: germline.
Comment: This sequence change replaces proline, which is neutral and non-polar, with serine, which is neutral and polar, at codon 1402 of the MLH3 protein (p.Pro1402Ser). This variant is not present in population databases (gnomAD no frequency). This variant has not been reported in the literature in individuals affected with MLH3-related conditions. An algorithm developed to predict the effect of missense changes on protein structure and function (PolyPhen-2) suggests that this variant is likely to be disruptive. In summary, the available evidence is currently insufficient to determine the role of this variant in disease. Therefore, it has been classified as a Variant of Uncertain Significance.